The following is an entry in ClinVar:

NM_013275.6(ANKRD11):c.2615_2616del (p.Ser872fs)

Gene: ANKRD11 (ankyrin repeat domain 11; minus strand). Cytogenetic location: 16q24.3.
Variant type: Microsatellite.
Coding change: c.2615_2616del on transcript NM_013275.6 (MANE Select); coding-DNA positions 2615 to 2616, 2 bases deleted (CT; older notation c.2615_2616delCT).
Protein change: p.Ser872fs; shifts the reading frame from serine 872.
Molecular consequence: frameshift variant.
Genome position (GRCh38, 1-based): chr16:89,283,926-89,283,927, AG deleted on the plus strand (CT on the coding strand, the reverse complement: ANKRD11 is on the minus strand); deleting any 2 consecutive bases within chr16:89,283,926-89,283,929 gives the same sequence; the c. name uses the placement nearest the transcript's 3' end. VCF-style (leftmost placement, unchanged base first): chr16-89283925-CAG-C. GRCh37 (hg19) VCF-style: chr16-89350333-CAG-C.
Other names: c.2615_2616del, p.Ser872fs (NM_001256182.2, NM_001256183.2); c.2615_2616del (NM_013275.5); short protein forms S872fs.
Identifiers: ClinVar variation 981629 (VCV000981629.3), dbSNP rs2034464204, ClinGen allele CA2241602099.

ClinVar aggregate classification (germline): Pathogenic/Likely pathogenic. Review status: criteria provided, multiple submitters, no conflicts (2 of 4 stars). 4 submissions from 4 submitters: Pathogenic (2); Likely pathogenic (2). Last evaluated 2022-10-13.

Conditions:
KBG syndrome (KBGS). Also called: ANKRD11-Related KBG Syndrome. Identifiers: Orphanet 2332, MedGen C0220687, MONDO:0007846, OMIM 148050.
ANKRD11-related disorder. Also called: ANKRD11-related condition.

Submissions (4):

Blueprint Genetics
Classification: Likely pathogenic for ANKRD11-related disorders. Last evaluated: 2022-10-13. Review status: criteria provided, single submitter. Criteria: ACMG Guidelines, 2015. Collection method: clinical testing. Allele origin: germline. Affected: yes. Observed: 1 variant allele.

GeneDx
Classification: Pathogenic. Last evaluated: 2022-08-22. Review status: criteria provided, single submitter. Criteria: GeneDx Variant Classification Process June 2021. Collection method: clinical testing. Allele origin: germline. Affected: yes.
Comment: Frameshift variant predicted to result in protein truncation or nonsense mediated decay in a gene for which loss of function is a known mechanism of disease; Not observed at significant frequency in large population cohorts (gnomAD); This variant is associated with the following publications: (PMID: 33624935)

National Institute of Neuroscience, National Center of Neurology and Psychiatry
Classification: Likely pathogenic for KBG syndrome. Review status: criteria provided, single submitter. Criteria: ACMG Guidelines, 2015. Collection method: research. Allele origin: de novo. Affected: yes. Observed: 1 variant allele.

Neuberg Centre For Genomic Medicine, NCGM
Classification: Pathogenic for KBG syndrome. Review status: criteria provided, single submitter. Criteria: ACMG Guidelines, 2015. Collection method: clinical testing. Allele origin: germline. Inheritance: Autosomal dominant inheritance. Affected: yes.
Comment: The frameshift c.2615_2616del (p.Ser872CysfsTer43) variant has been reported previously in heterozygous state in patient affected with KBG syndrome (Abe-Hatano C et al., 2021). The p.Ser872CysfsTer43 variant is novel (not in any individuals) in gnomAD Exomes and is novel (not in any individuals) in 1000 Genomes. This variant has been reported to the ClinVar database as Likely pathogenic, but no details are available for independent assessment. This variant causes a frameshift starting with codon Serine 872, changes this amino acid to Cysteine residue, and creates a premature Stop codon at position 43 of the new reading frame, denoted p.Ser872CysfsTer43. This variant is predicted to cause loss of normal protein function through protein truncation. Loss of function variants have been previously reported to be disease causing. For these reasons, this variant has been classified as Pathogenic.

Literature cited by the submitters: PubMed 33624935 (cited by National Institute of Neuroscience, National Center of Neurology and Psychiatry).